The following is an entry in ClinVar:

ClinVar aggregate classification (germline): Uncertain significance (1 of 4 stars; one submission).

Conditions:
Baller-Gerold syndrome (BGS). Also called: CRANIOSYNOSTOSIS WITH RADIAL DEFECTS. Identifiers: Orphanet 1225, MedGen C0265308, MONDO:0009039, OMIM 218600.

Allele frequency attached by ClinVar (database versions not stated): TOPMed 0.00001.

Submission:

Labcorp Genetics (formerly Invitae), Labcorp
Classification: Uncertain significance for Baller-Gerold syndrome. Last evaluated: 2024-10-08. Review status: criteria provided, single submitter. Criteria: Invitae Variant Classification Sherloc (09022015). Collection method: clinical testing. Allele origin: germline.
Comment: This sequence change replaces cysteine, which is neutral and slightly polar, with glycine, which is neutral and non-polar, at codon 511 of the RECQL4 protein (p.Cys511Gly). This variant is not present in population databases (gnomAD no frequency). This variant has not been reported in the literature in individuals affected with RECQL4-related conditions. ClinVar contains an entry for this variant (Variation ID: 1034970). Invitae Evidence Modeling of protein sequence and biophysical properties (such as structural, functional, and spatial information, amino acid conservation, physicochemical variation, residue mobility, and thermodynamic stability) indicates that this missense variant is expected to disrupt RECQL4 protein function with a positive predictive value of 80%. In summary, the available evidence is currently insufficient to determine the role of this variant in disease. Therefore, it has been classified as a Variant of Uncertain Significance.

NM_004260.4(RECQL4):c.1531T>G (p.Cys511Gly)

Gene: RECQL4 (RecQ like helicase 4; minus strand). Cytogenetic location: 8q24.3.
Variant type: single nucleotide variant.
Coding change: c.1531T>G on transcript NM_004260.4 (MANE Select); coding-DNA position 1531, T replaced by G.
Protein change: p.Cys511Gly; replaces cysteine 511 with glycine.
Molecular consequence: missense variant.
Genome position (GRCh38, 1-based): chr8:144,515,025, A>C on the plus strand (T>G on the coding strand, the complement: RECQL4 is on the minus strand). VCF-style: chr8-144515025-A-C. GRCh37 (hg19) VCF-style: chr8-145740409-A-C.
Other names: short protein forms C511G.
Identifiers: ClinVar variation 1034970 (VCV001034970.5), dbSNP rs1226284707, ClinGen allele CA372683990.